The following is an entry in ClinVar:

NM_001111.5(ADAR):c.3490C>T (p.Leu1164=)

Gene: ADAR (adenosine deaminase RNA specific; minus strand). Cytogenetic location: 1q21.3.
Variant type: single nucleotide variant.
Coding change: c.3490C>T on transcript NM_001111.5 (MANE Select); coding-DNA position 3490, C replaced by T.
Protein change: p.Leu1164=; no amino-acid change (leucine 1164 retained).
Molecular consequence: synonymous variant.
Genome position (GRCh38, 1-based): chr1:154,584,997, G>A on the plus strand (C>T on the coding strand, the complement: ADAR is on the minus strand). VCF-style: chr1-154584997-G-A. GRCh37 (hg19) VCF-style: chr1-154557473-G-A.
Other names: c.2605C>T, p.Leu869= (NM_001025107.3, NM_001193495.2, NM_001365046.1 and 2 more transcripts); c.3517C>T, p.Leu1173= (NM_001365045.1); c.2527C>T, p.Leu843= (NM_001365049.1); c.3412C>T, p.Leu1138= (NM_015840.4); c.3355C>T, p.Leu1119= (NM_015841.4).
Identifiers: ClinVar variation 2034440 (VCV002034440.4), dbSNP rs2526445665, ClinGen allele CA421231541.
Genomic context (GRCh38, chr1:154,584,997, plus strand): 5'-CACCATAGGAGAGTCTCAGTAGATCCCTGCGGTAACGGAAGGAGCAGAGCTTCTTAAATA[G>A]AAGAAAAATGTTCTTTTTGGAGACCCGGGACAATTCATTCCGTGGCCTAGAGAAACAAAA-3'
Protein context (NP_001102.3, residues 1154-1174): SRVSKKNIFL[Leu1164=]FKKLCSFRYR

ClinVar aggregate classification (germline): Uncertain significance (1 of 4 stars; one submission).

Conditions:
Symmetrical dyschromatosis of extremities (DSH). Also called: RETICULATE ACROPIGMENTATION OF DOHI; SYMMETRIC DYSCHROMATOSIS OF THE EXTREMITIES; Dyschromatosis symmetrica hereditaria; DYSCHROMATOSIS SYMMETRICA HEREDITARIA 1. Identifiers: Orphanet 41, MedGen C0406775, MONDO:0007483, OMIM 127400.
Aicardi-Goutieres syndrome 6 (AGS6). Identifiers: Orphanet 51, MedGen C3539013, MONDO:0014007, OMIM 615010.

gnomAD v4.1: 4 of 1,614,120 alleles (0.00025%); highest among the groups gnomAD compares: Non-Finnish European, 0.00034%; no homozygotes.

Submission:

Labcorp Genetics (formerly Invitae), Labcorp
Classification: Uncertain significance for Aicardi-Goutieres syndrome 6; Symmetrical dyschromatosis of extremities. Last evaluated: 2022-10-13. Review status: criteria provided, single submitter. Criteria: Invitae Variant Classification Sherloc (09022015). Collection method: clinical testing. Allele origin: germline.
Comment: In summary, the available evidence is currently insufficient to determine the role of this variant in disease. Therefore, it has been classified as a Variant of Uncertain Significance. Algorithms developed to predict the effect of sequence changes on RNA splicing suggest that this variant may create or strengthen a splice site. This variant has not been reported in the literature in individuals affected with ADAR-related conditions. This variant is not present in population databases (gnomAD no frequency). This sequence change affects codon 1164 of the ADAR mRNA. It is a 'silent' change, meaning that it does not change the encoded amino acid sequence of the ADAR protein.